The following is an entry in ClinVar:

ClinVar aggregate classification (germline): Uncertain significance (1 of 4 stars; one submission).

Conditions:
Combined oxidative phosphorylation defect type 14. Also called: Combined oxidative phosphorylation deficiency 14. Identifiers: Orphanet 319519, MedGen C4755312, MONDO:0013986, OMIM 614946.

Submission:

Labcorp Genetics (formerly Invitae), Labcorp
Classification: Uncertain significance for Combined oxidative phosphorylation defect type 14. Last evaluated: 2020-05-04. Review status: criteria provided, single submitter. Criteria: Invitae Variant Classification Sherloc (09022015). Collection method: clinical testing. Allele origin: germline.
Comment: This variant results in a copy number gain of the genomic region encompassing exon(s) 7 of the FARS2 gene. The 5' boundary is likely confined to intron 6. The 3' end of this event is unknown as it extends beyond the assayed region for this gene and therefore may encompass additional genes. As the precise location of this event is unknown, it may be in tandem or it may be located elsewhere in the genome. This variant has not been reported in the literature in individuals with FARS2-related conditions. In summary, the available evidence is currently insufficient to determine the role of this variant in disease. Therefore, it has been classified as a Variant of Uncertain Significance.

NC_000006.11:g.(?_5771504)_(5771682_?)dup

Gene: FARS2 (phenylalanyl-tRNA synthetase 2, mitochondrial; plus strand). Cytogenetic location: 6p25.1.
Variant type: Duplication.
Identifiers: ClinVar variation 1000004 (VCV001000004.1).